The following is an entry in ClinVar:

ClinVar aggregate classification (germline): Uncertain significance. Review status: criteria provided, multiple submitters, no conflicts (2 of 4 stars). 2 submissions from 2 submitters: Uncertain significance (2). Last evaluated 2024-10-11.

Conditions:
Hyper-IgM syndrome type 1. Also called: Hyper-IgM Immunodeficiency Syndrome, Type 1; CD40 Ligand Deficiency; X-linked hyper-IgM syndrome; Immunodeficiency, X-linked, with hyper-IgM. Identifiers: Orphanet 101088, MedGen C0398689, MONDO:0010626, OMIM 308230.

Submissions (2):

3billion
Classification: Uncertain significance for Hyper-IgM syndrome type 1. Last evaluated: 2024-10-11. Review status: criteria provided, single submitter. Criteria: ACMG Guidelines, 2015. Collection method: clinical testing. Allele origin: germline. Affected: yes.
Comment: The variant is not observed in the gnomAD v4.1.0 dataset. Predicted Consequence/Location: Intron variant In silico tools predict the variant to alter splicing and produce an abnormal transcript [SpliceAI: 0.83 (>=0.2, moderate evidence for spliceogenicity)]. The variant has been reported as of uncertain significance (ClinVar ID: VCV000420104). Therefore, this variant is classified as VUS according to the recommendation of ACMG/AMP guideline.

GeneDx
Classification: Uncertain significance. Last evaluated: 2018-04-16. Review status: criteria provided, single submitter. Criteria: GeneDx Variant Classification (06012015). Collection method: clinical testing. Allele origin: germline. Affected: yes.
Comment: The c.409+3 A>T variant has not been published as a pathogenic variant, nor has it been reported as a benign variant to our knowledge. The variant was not observed in approximately 6,500 individuals of European and African American ancestry in the NHLBI Exome Sequencing Project, indicating it is not a common benign variant in these populations. In-silico splice prediction models are inconsistent as to whether c.409+3 A>T damages the natural splice donor site of intron 4; additionally, the adjacent exon remains in frame. In the absence of RNA/functional studies, the actual effect of this sequence change in this individual is unknown. Therefore, based on the currently available information, it is unclear whether this variant is a pathogenic variant or a rare benign variant.

NM_000074.3(CD40LG):c.409+3A>T

Gene: CD40LG (CD40 ligand; plus strand). Cytogenetic location: Xq26.3.
Variant type: single nucleotide variant.
Coding change: c.409+3A>T on transcript NM_000074.3 (MANE Select); 3 bases into the intron after coding-DNA position 409, A replaced by T.
Molecular consequence: intron variant.
Genome position (GRCh38, 1-based): chrX:136,656,421, A>T. VCF-style: chrX-136656421-A-T. GRCh37 (hg19) VCF-style: chrX-135738580-A-T.
Identifiers: ClinVar variation 420104 (VCV000420104.3), dbSNP rs1064794289, ClinGen allele CA16621209.